The following is an entry in ClinVar:

NM_000548.5(TSC2):c.2709C>T (p.Pro903=)

Gene: TSC2 (TSC complex subunit 2; plus strand). Cytogenetic location: 16p13.3.
Variant type: single nucleotide variant.
Coding change: c.2709C>T on transcript NM_000548.5 (MANE Select); coding-DNA position 2709, C replaced by T.
Protein change: p.Pro903=; no amino-acid change (proline 903 retained).
Molecular consequence: synonymous variant.
Genome position (GRCh38, 1-based): chr16:2,076,137, C>T. VCF-style: chr16-2076137-C-T. GRCh37 (hg19) VCF-style: chr16-2126138-C-T.
Other names: c.2709C>T (NM_000548.4); c.2709C>T, p.Pro903= (NM_001077183.3, NM_001114382.3, NM_001363528.2 and 3 more transcripts); c.2598C>T, p.Pro866= (NM_001318827.2); c.2562C>T, p.Pro854= (NM_001318829.2); c.2109C>T, p.Pro703= (NM_001318831.2); c.2742C>T, p.Pro914= (NM_001318832.2).
Identifiers: ClinVar variation 1148869 (VCV001148869.13), dbSNP rs780558633, ClinGen allele CA040991.

ClinVar aggregate classification (germline): Benign/Likely benign. Review status: criteria provided, multiple submitters, no conflicts (2 of 4 stars). 4 submissions from 4 submitters: Benign (1); Likely benign (3). Last evaluated 2026-01-04.

Conditions:
TSC2-related disorder. Also called: TSC2-related condition; TSC2-Related Disorders.
Hereditary cancer-predisposing syndrome. Also called: Tumor predisposition; Hereditary Cancer Syndrome; Neoplastic Syndromes, Hereditary; Hereditary neoplastic syndrome. Identifiers: Orphanet 140162, MedGen C0027672, MeSH D009386, MONDO:0015356.
Tuberous sclerosis 2 (TSC2). Identifiers: MONDO:0013199, OMIM 613254, Orphanet 805, MedGen C1860707.

Allele frequency attached by ClinVar (database versions not stated): gnomAD exomes below 0.00001; ExAC 0.00001.
gnomAD v4.1: 2 of 1,613,886 alleles (0.00012%); highest among the groups gnomAD compares: South Asian, 0.0022%; no homozygotes.

Submissions (4):

Labcorp Genetics (formerly Invitae), Labcorp
Classification: Likely benign for Tuberous sclerosis 2. Last evaluated: 2026-01-04. Review status: criteria provided, single submitter. Criteria: Invitae Variant Classification Sherloc (09022015). Collection method: clinical testing. Allele origin: germline.

Myriad Genetics, Inc.
Classification: Benign for Tuberous sclerosis 2. Last evaluated: 2025-05-21. Review status: criteria provided, single submitter. Criteria: Myriad Autosomal Dominant, Autosomal Recessive and X-Linked Classification Criteria (2023). Collection method: clinical testing. Allele origin: unknown.
Comment: This variant is considered benign. This variant is a silent/synonymous amino acid change and it is not expected to impact splicing.

PreventionGenetics, part of Exact Sciences
Classification: Likely benign for TSC2-related condition. Last evaluated: 2024-10-08. Review status: criteria provided, single submitter. Criteria: ACMG Guidelines, 2015. Collection method: clinical testing. Allele origin: germline.
Comment: This variant is classified as likely benign based on ACMG/AMP sequence variant interpretation guidelines (Richards et al. 2015 PMID: 25741868, with internal and published modifications).

Ambry Genetics
Classification: Likely benign for Hereditary cancer-predisposing syndrome. Last evaluated: 2021-09-21. Review status: criteria provided, single submitter. Criteria: Ambry Variant Classification Scheme 2023. Collection method: clinical testing. Allele origin: germline.